The following is an entry in ClinVar:

ClinVar aggregate classification (germline): Benign/Likely benign. Review status: criteria provided, multiple submitters, no conflicts (2 of 4 stars). 3 submissions from 3 submitters: Benign (1); Likely benign (2). Last evaluated 2025-09-24.

Conditions:
Tuberous sclerosis 2 (TSC2). Identifiers: Orphanet 805, MedGen C1860707, MONDO:0013199, OMIM 613254.
Hereditary cancer-predisposing syndrome. Also called: Neoplastic Syndromes, Hereditary; Tumor predisposition; Hereditary Cancer Syndrome; Hereditary neoplastic syndrome. Identifiers: Orphanet 140162, MedGen C0027672, MeSH D009386, MONDO:0015356.

Allele frequency attached by ClinVar (database versions not stated): TOPMed 0.00001.

Submissions (3):

Labcorp Genetics (formerly Invitae), Labcorp
Classification: Likely benign for Tuberous sclerosis 2. Last evaluated: 2025-09-24. Review status: criteria provided, single submitter. Criteria: Invitae Variant Classification Sherloc (09022015). Collection method: clinical testing. Allele origin: germline.

Myriad Genetics, Inc.
Classification: Benign for Tuberous sclerosis 2. Last evaluated: 2025-05-16. Review status: criteria provided, single submitter. Criteria: Myriad Autosomal Dominant, Autosomal Recessive and X-Linked Classification Criteria (2023). Collection method: clinical testing. Allele origin: unknown.
Comment: This variant is considered benign. This variant is a silent/synonymous amino acid change and it is not expected to impact splicing.

Ambry Genetics
Classification: Likely benign for Hereditary cancer-predisposing syndrome. Last evaluated: 2018-04-25. Review status: criteria provided, single submitter. Criteria: Ambry Variant Classification Scheme 2023. Collection method: clinical testing. Allele origin: germline.

NM_000548.5(TSC2):c.1845T>C (p.Phe615=)

Gene: TSC2 (TSC complex subunit 2; plus strand). Cytogenetic location: 16p13.3.
Variant type: single nucleotide variant.
Coding change: c.1845T>C on transcript NM_000548.5 (MANE Select); coding-DNA position 1845, T replaced by C.
Protein change: p.Phe615=; no amino-acid change (phenylalanine 615 retained).
Molecular consequence: synonymous variant.
Genome position (GRCh38, 1-based): chr16:2,071,515, T>C. VCF-style: chr16-2071515-T-C. GRCh37 (hg19) VCF-style: chr16-2121516-T-C.
Other names: c.1845T>C, p.Phe615= (NM_001077183.3, NM_001114382.3, NM_001363528.2 and 3 more transcripts); c.1734T>C, p.Phe578= (NM_001318827.2); c.1698T>C, p.Phe566= (NM_001318829.2); c.1245T>C, p.Phe415= (NM_001318831.2); c.1878T>C, p.Phe626= (NM_001318832.2).
Identifiers: ClinVar variation 536090 (VCV000536090.15), dbSNP rs1281870505, ClinGen allele CA492950247.